The following is an entry in ClinVar:

ClinVar aggregate classification (germline): Benign (1 of 4 stars; one submission).

Conditions:
Episodic ataxia type 1 (EA1). Also called: Episodic ataxia/myokymia syndrome; ATAXIA, EPISODIC, WITH MYOKYMIA; MYOKYMIA WITH PERIODIC ATAXIA; PAROXYSMAL ATAXIA WITH NEUROMYOTONIA, HEREDITARY. Identifiers: Orphanet 37612, Orphanet 972, MedGen C1719788, MONDO:0008047, OMIM 160120.

Allele frequency attached by ClinVar (database versions not stated): gnomAD exomes below 0.00001 and 0.00001; ExAC 0.00002.

Submission:

Illumina Laboratory Services, Illumina
Classification: Benign for Episodic ataxia type 1. Last evaluated: 2018-03-26. Review status: criteria provided, single submitter. Criteria: ICSL Variant Classification Criteria 13 December 2019. Collection method: clinical testing. Allele origin: germline.
Comment: This variant was observed in the ICSL laboratory as part of a predisposition screen in an ostensibly healthy population. It had not been previously curated by ICSL or reported in the Human Gene Mutation Database (HGMD: prior to June 1st, 2018), and was therefore a candidate for classification through an automated scoring system. Utilizing variant allele frequency, disease prevalence and penetrance estimates, and inheritance mode, an automated score was calculated to assess if this variant is too frequent to cause the disease. Based on the score and internal cut-off values, a variant classified as benign is not then subjected to further curation. The score for this variant resulted in a classification of benign for this disease.

NM_000217.3(KCNA1):c.1A>G (p.Met1Val)

Genes: KCNA1 (potassium voltage-gated channel subfamily A member 1; plus strand), LOC130007218 (ATAC-STARR-seq lymphoblastoid silent region 4155; plus strand). Cytogenetic location: 12p13.32.
Variant type: single nucleotide variant.
Coding change: c.1A>G on transcript NM_000217.3 (MANE Select); coding-DNA position 1, A replaced by G.
Protein change: p.Met1Val; changes the start codon (methionine 1).
Molecular consequence: missense variant, initiator codon variant.
Genome position (GRCh38, 1-based): chr12:4,911,379, A>G. VCF-style: chr12-4911379-A-G. GRCh37 (hg19) VCF-style: chr12-5020545-A-G.
Other names: short protein forms M1V.
Identifiers: ClinVar variation 883201 (VCV000883201.5), dbSNP rs776861490, ClinGen allele CA6399322.
Genomic context (GRCh38, chr12:4,911,379, plus strand): 5'-CTGGCTGCTTCCCACCCCGGGCTCTCTCCTGGCCTCCCACCCCCGCGCCCGGCTTCCACC[A>G]TGACGGTGATGTCTGGGGAGAACGTGGACGAGGCTTCGGCCGCCCCGGGCCACCCCCAGG-3'
Protein context (NP_000208.2, residues 1-11): [Met1Val]TVMSGENVDE